The following is an entry in ClinVar:

ClinVar aggregate classification (germline): Uncertain significance. Review status: criteria provided, multiple submitters, no conflicts (2 of 4 stars). 3 submissions from 3 submitters: Uncertain significance (3). Last evaluated 2025-09-16.

Conditions:
Hereditary cancer-predisposing syndrome. Also called: Tumor predisposition; Hereditary neoplastic syndrome; Neoplastic Syndromes, Hereditary; Hereditary Cancer Syndrome. Identifiers: Orphanet 140162, MedGen C0027672, MeSH D009386, MONDO:0015356.
Multiple endocrine neoplasia type 4. Also called: MULTIPLE ENDOCRINE NEOPLASIA, TYPE IV. Identifiers: Orphanet 276152, MedGen C1970712, MONDO:0012552, OMIM 610755.

Allele frequency attached by ClinVar (database versions not stated): gnomAD exomes below 0.00001.
gnomAD v4.1: 1 of 1,614,104 alleles (0.000062%); highest among the groups gnomAD compares: Non-Finnish European, 0.000085%; no homozygotes.

Submissions (3):

Labcorp Genetics (formerly Invitae), Labcorp
Classification: Uncertain significance for Multiple endocrine neoplasia type 4. Last evaluated: 2025-09-16. Review status: criteria provided, single submitter. Criteria: Invitae Variant Classification Sherloc (09022015). Collection method: clinical testing. Allele origin: germline.
Comment: This sequence change replaces tryptophan, which is neutral and slightly polar, with arginine, which is basic and polar, at codon 76 of the CDKN1B protein (p.Trp76Arg). This variant is not present in population databases (gnomAD no frequency). This variant has not been reported in the literature in individuals affected with CDKN1B-related conditions. ClinVar contains an entry for this variant (Variation ID: 1381579). An algorithm developed to predict the effect of missense changes on protein structure and function (PolyPhen-2) suggests that this variant is likely to be disruptive. In summary, the available evidence is currently insufficient to determine the role of this variant in disease. Therefore, it has been classified as a Variant of Uncertain Significance.

Ambry Genetics
Classification: Uncertain significance for Hereditary cancer-predisposing syndrome. Last evaluated: 2024-11-10. Review status: criteria provided, single submitter. Criteria: Ambry Variant Classification Scheme 2023. Collection method: clinical testing. Allele origin: germline.
Comment: The p.W76R variant (also known as c.226T>C), located in coding exon 1 of the CDKN1B gene, results from a T to C substitution at nucleotide position 226. The tryptophan at codon 76 is replaced by arginine, an amino acid with dissimilar properties. This amino acid position is conserved. In addition, this alteration is predicted to be deleterious by in silico analysis. Based on the available evidence, the clinical significance of this variant remains unclear.

Clinical Genetics Laboratory, Skane University Hospital Lund
Classification: Uncertain significance. Last evaluated: 2024-01-17. Review status: criteria provided, single submitter. Criteria: ACMG Guidelines, 2015. Collection method: clinical testing. Allele origin: germline. Affected: yes.

NM_004064.5(CDKN1B):c.226T>C (p.Trp76Arg)

Gene: CDKN1B (cyclin dependent kinase inhibitor 1B; plus strand). Cytogenetic location: 12p13.1.
Variant type: single nucleotide variant.
Coding change: c.226T>C on transcript NM_004064.5 (MANE Select); coding-DNA position 226, T replaced by C.
Protein change: p.Trp76Arg; replaces tryptophan 76 with arginine.
Molecular consequence: missense variant.
Genome position (GRCh38, 1-based): chr12:12,718,065, T>C. VCF-style: chr12-12718065-T-C. GRCh37 (hg19) VCF-style: chr12-12870999-T-C.
Other names: c.226T>C (NM_004064.3); short protein forms W76R.
Identifiers: ClinVar variation 1381579 (VCV001381579.8), dbSNP rs2136355838, ClinGen allele CA383969631.